The following is an entry in ClinVar:

NM_021075.4(NDUFV3):c.598C>T (p.Arg200Ter)

Gene: NDUFV3 (NADH:ubiquinone oxidoreductase subunit V3; plus strand). Cytogenetic location: 21q22.3.
Variant type: single nucleotide variant.
Coding change: c.598C>T on transcript NM_021075.4 (MANE Select); coding-DNA position 598, C replaced by T.
Protein change: p.Arg200Ter; replaces arginine 200 with a stop codon.
Molecular consequence: nonsense. On other transcripts: intron variant (1).
Genome position (GRCh38, 1-based): chr21:42,903,610, C>T. VCF-style: chr21-42903610-C-T. GRCh37 (hg19) VCF-style: chr21-44323720-C-T.
Other names: c.170-5254C>T (NM_001001503.2); short protein forms R200*.
Identifiers: ClinVar variation 3059190 (VCV003059190.2), dbSNP rs4148974, ClinGen allele CA10046529.

ClinVar aggregate classification (germline): Benign (0 of 4 stars; one submission).

Conditions:
NDUFV3-related disorder. Also called: NDUFV3-related condition.

Allele frequency attached by ClinVar (database versions not stated): ESP Exome Variant Server 0.04045; TOPMed 0.04365; gnomAD 0.04804; 1000 Genomes Project 30x 0.05091; 1000 Genomes Project 0.05232; gnomAD exomes 0.06087; ExAC 0.06297.

Submission:

PreventionGenetics, part of Exact Sciences
Classification: Benign for NDUFV3-related condition. Last evaluated: 2019-04-30. Review status: no assertion criteria provided. Collection method: clinical testing. Allele origin: germline.
Comment: This variant is classified as benign based on ACMG/AMP sequence variant interpretation guidelines (Richards et al. 2015 PMID: 25741868, with internal and published modifications).